The following is an entry in ClinVar:

NM_000187.4(HGD):c.302_303insTG (p.Glu101fs)

Gene: HGD (homogentisate 1,2-dioxygenase; minus strand). Cytogenetic location: 3q13.33.
Variant type: Insertion.
Coding change: c.302_303insTG on transcript NM_000187.4 (MANE Select); coding-DNA positions 302 to 303, TG inserted.
Protein change: p.Glu101fs; shifts the reading frame from glutamic acid 101.
Molecular consequence: frameshift variant.
Genome position: GRCh38 VCF-style: chr3-120652631-C-CCA. GRCh37 (hg19) VCF-style: chr3-120371478-C-CCA.
Other names: short protein forms E101fs.
Identifiers: ClinVar variation 1726491 (VCV001726491.2), dbSNP rs2472724948, ClinGen allele CA2580068609.

ClinVar aggregate classification (germline): Likely pathogenic (1 of 4 stars; one submission).

Conditions:
Alkaptonuria (AKU). Also called: Alcaptonuria; Alkaptonuric ochronosis; HOMOGENTISIC ACID OXIDASE DEFICIENCY; Homogentisic acidura. Identifiers: Orphanet 56, MedGen C0002066, MONDO:0008753, OMIM 203500.

Submission:

Myriad Genetics, Inc.
Classification: Likely pathogenic for Alkaptonuria. Last evaluated: 2021-12-17. Review status: criteria provided, single submitter. Criteria: Myriad Women's Health Autosomal Recessive and X-Linked Classification Criteria (2021). Collection method: clinical testing. Allele origin: unknown.
Comment: NM_000187.3(HGD):c.302_303insTG(E101Dfs*11) is expected to be pathogenic in the context of alkaptonuria. This variant is predicted to lead to an abnormal or absent protein product due to the creation of a premature termination codon in HGD, a gene where loss-of-function variants are known to be pathogenic. Please note: this variant was assessed in the context of healthy population screening.